The following is an entry in ClinVar:

NM_012414.4(RAB3GAP2):c.154T>C (p.Trp52Arg)

Gene: RAB3GAP2 (RAB3 GTPase activating non-catalytic protein subunit 2; minus strand). Cytogenetic location: 1q41.
Variant type: single nucleotide variant.
Coding change: c.154T>C on transcript NM_012414.4 (MANE Select); coding-DNA position 154, T replaced by C.
Protein change: p.Trp52Arg; replaces tryptophan 52 with arginine.
Molecular consequence: missense variant.
Genome position (GRCh38, 1-based): chr1:220,232,825, A>G on the plus strand (T>C on the coding strand, the complement: RAB3GAP2 is on the minus strand). VCF-style: chr1-220232825-A-G. GRCh37 (hg19) VCF-style: chr1-220406167-A-G.
Other names: short protein forms W52R.
Identifiers: ClinVar variation 1961155 (VCV001961155.5), dbSNP rs1169485661, ClinGen allele CA344731771.

ClinVar aggregate classification (germline): Uncertain significance (1 of 4 stars; one submission).

Conditions:
Martsolf syndrome (MARTS). Also called: Congenital cataract with intellectual disability and hypogonadotropic hypogonadism syndrome. Identifiers: Orphanet 1387, MedGen C0796037, MONDO:0023910.
Warburg micro syndrome 2 (WARBM2). Also called: MICRO SYNDROME 2. Identifiers: Orphanet 2510, MedGen C3280214, MONDO:0013641, OMIM 614225.

Allele frequency attached by ClinVar (database versions not stated): gnomAD 0.00001; TOPMed 0.00002.

Submission:

Labcorp Genetics (formerly Invitae), Labcorp
Classification: Uncertain significance for Martsolf syndrome; Warburg micro syndrome 2. Last evaluated: 2022-06-17. Review status: criteria provided, single submitter. Criteria: Invitae Variant Classification Sherloc (09022015). Collection method: clinical testing. Allele origin: germline.
Comment: This sequence change replaces tryptophan, which is neutral and slightly polar, with arginine, which is basic and polar, at codon 52 of the RAB3GAP2 protein (p.Trp52Arg). In summary, the available evidence is currently insufficient to determine the role of this variant in disease. Therefore, it has been classified as a Variant of Uncertain Significance. Algorithms developed to predict the effect of missense changes on protein structure and function are either unavailable or do not agree on the potential impact of this missense change (SIFT: "Deleterious"; PolyPhen-2: "Possibly Damaging"; Align-GVGD: "Class C0"). This variant has not been reported in the literature in individuals affected with RAB3GAP2-related conditions. This variant is present in population databases (no rsID available, gnomAD 0.01%).